The following is an entry in ClinVar:

ClinVar aggregate classification (germline): Uncertain significance (1 of 4 stars; one submission).

gnomAD v4.1: 3 of 1,614,114 alleles (0.00019%); highest among the groups gnomAD compares: African/African-American, 0.004%; no homozygotes.

Submission:

Mayo Clinic Laboratories, Mayo Clinic
Classification: Uncertain significance. Last evaluated: 2024-05-16. Review status: criteria provided, single submitter. Criteria: ACMG Guidelines, 2015. Collection method: clinical testing. Allele origin: germline. Observed: 1 variant allele.
Comment: PM1_supporting, PM2_moderate

NM_000130.5(F5):c.125G>T (p.Ser42Ile)

Gene: F5 (coagulation factor V; minus strand). Cytogenetic location: 1q24.2.
Variant type: single nucleotide variant.
Coding change: c.125G>T on transcript NM_000130.5 (MANE Select); coding-DNA position 125, G replaced by T.
Protein change: p.Ser42Ile; replaces serine 42 with isoleucine.
Molecular consequence: missense variant.
Genome position (GRCh38, 1-based): chr1:169,586,262, C>A on the plus strand (G>T on the coding strand, the complement: F5 is on the minus strand). VCF-style: chr1-169586262-C-A. GRCh37 (hg19) VCF-style: chr1-169555500-C-A.
Other names: p.Ser42Ile; short protein forms S42I.
Identifiers: ClinVar variation 3380177 (VCV003380177.1).